The following is an entry in ClinVar:

ClinVar aggregate classification (germline): Pathogenic (1 of 4 stars; one submission).

Conditions:
Hereditary breast ovarian cancer syndrome. Also called: Hereditary breast and/or ovarian cancer syndrome; Hereditary breast and ovarian cancer syndrome; Hereditary breast and ovarian cancer; Hereditary breast and ovarian cancer syndrome (HBOC); Breast and ovarian cancer; BRCA1- and BRCA2-Associated Hereditary Breast and Ovarian Cancer. Identifiers: Orphanet 145, MedGen C0677776, MeSH D061325, MONDO:0003582. Disease mechanism: loss of function.

Submission:

Labcorp Genetics (formerly Invitae), Labcorp
Classification: Pathogenic for Hereditary breast ovarian cancer syndrome. Last evaluated: 2022-07-19. Review status: criteria provided, single submitter. Criteria: Invitae Variant Classification Sherloc (09022015). Collection method: clinical testing. Allele origin: germline.
Comment: For these reasons, this variant has been classified as Pathogenic. This premature translational stop signal has been observed in individual(s) with breast cancer and/or ovarian cancer (PMID: 12955716). This variant is not present in population databases (gnomAD no frequency). This sequence change creates a premature translational stop signal (p.Lys3104Asnfs*4) in the BRCA2 gene. It is expected to result in an absent or disrupted protein product. Loss-of-function variants in BRCA2 are known to be pathogenic (PMID: 20104584).

Literature cited by the submitters: PubMed 12955716; PubMed 20104584.

NM_000059.4(BRCA2):c.9312del (p.Lys3104fs)

Gene: BRCA2 (BRCA2 DNA repair associated; plus strand). Cytogenetic location: 13q13.1.
Variant type: Deletion.
Coding change: c.9312del on transcript NM_000059.4 (MANE Select); coding-DNA position 9312, one base deleted (G; older notation c.9312delG).
Protein change: p.Lys3104fs; shifts the reading frame from lysine 3104.
Molecular consequence: frameshift variant.
Genome position (GRCh38, 1-based): chr13:32,394,744, G deleted. VCF-style (leftmost placement, unchanged base first): chr13-32394743-AG-A. GRCh37 (hg19) VCF-style: chr13-32968880-AG-A.
Other names: c.9216delG, p.Lys3072Asnfs (NM_001406719.1); c.9261delG, p.Lys3087Asnfs (NM_001406720.1); c.4380delG, p.Lys1460Asnfs (NM_001406721.1); c.2895delG, p.Lys965Asnfs (NM_001406722.1); short protein forms K3104fs.
Identifiers: ClinVar variation 2095784 (VCV002095784.4), dbSNP rs2535030580, ClinGen allele CA2580087337.